The following is an entry in ClinVar:

ClinVar aggregate classification (germline): Uncertain significance (1 of 4 stars; one submission).

Allele frequency attached by ClinVar (database versions not stated): gnomAD exomes below 0.00001.
gnomAD v4.1: 1 of 1,598,082 alleles (0.000063%); highest among the groups gnomAD compares: African/African-American, 0.0014%; no homozygotes.

Submission:

Labcorp Genetics (formerly Invitae), Labcorp
Classification: Uncertain significance. Last evaluated: 2022-11-22. Review status: criteria provided, single submitter. Criteria: Invitae Variant Classification Sherloc (09022015). Collection method: clinical testing. Allele origin: germline.
Comment: This sequence change replaces proline, which is neutral and non-polar, with threonine, which is neutral and polar, at codon 894 of the PITPNM3 protein (p.Pro894Thr). This variant is not present in population databases (gnomAD no frequency). This variant has not been reported in the literature in individuals affected with PITPNM3-related conditions. ClinVar contains an entry for this variant (Variation ID: 842154). Advanced modeling of protein sequence and biophysical properties (such as structural, functional, and spatial information, amino acid conservation, physicochemical variation, residue mobility, and thermodynamic stability) performed at Invitae indicates that this missense variant is not expected to disrupt PITPNM3 protein function. In summary, the available evidence is currently insufficient to determine the role of this variant in disease. Therefore, it has been classified as a Variant of Uncertain Significance.

NM_031220.4(PITPNM3):c.2680C>A (p.Pro894Thr)

Gene: PITPNM3 (PITPNM family member 3; minus strand). Cytogenetic location: 17p13.2.
Variant type: single nucleotide variant.
Coding change: c.2680C>A on transcript NM_031220.4 (MANE Select); coding-DNA position 2680, C replaced by A.
Protein change: p.Pro894Thr; replaces proline 894 with threonine.
Molecular consequence: missense variant.
Genome position (GRCh38, 1-based): chr17:6,455,583, G>T on the plus strand (C>A on the coding strand, the complement: PITPNM3 is on the minus strand). VCF-style: chr17-6455583-G-T. GRCh37 (hg19) VCF-style: chr17-6358903-G-T.
Other names: c.2572C>A, p.Pro858Thr (NM_001165966.2); short protein forms P858T, P894T.
Identifiers: ClinVar variation 842154 (VCV000842154.9), dbSNP rs1484468422, ClinGen allele CA397401184.
Genomic context (GRCh38, chr17:6,455,583, plus strand): 5'-GCTGCGCGTGCAGCCCGAAGCTGCCCTTGCGCAGGATCATGCGCGAGTTGTTCTTCTTTG[G>T]GCGTGAGCGGTGGCTGGCCTCCAGCGCGGCCAGGTGTGCGGCGTAGCCCTCGCTCAGGAA-3'
Protein context (NP_112497.2, residues 884-904): AALEASHRSR[Pro894Thr]KKNNSRMILR